The following is an entry in ClinVar:

NM_022437.3(ABCG8):c.1228G>A (p.Asp410Asn)

Gene: ABCG8 (ATP binding cassette subfamily G member 8; plus strand). Cytogenetic location: 2p21.
Variant type: single nucleotide variant.
Coding change: c.1228G>A on transcript NM_022437.3 (MANE Select); coding-DNA position 1228, G replaced by A.
Protein change: p.Asp410Asn; replaces aspartic acid 410 with asparagine.
Molecular consequence: missense variant.
Genome position (GRCh38, 1-based): chr2:43,873,803, G>A. VCF-style: chr2-43873803-G-A. GRCh37 (hg19) VCF-style: chr2-44100942-G-A.
Other names: c.1225G>A, p.Asp409Asn (NM_001357321.2); short protein forms D409N, D410N.
Identifiers: ClinVar variation 2244327 (VCV002244327.3), dbSNP rs746141470, ClinGen allele CA1637374.

ClinVar aggregate classification (germline): Uncertain significance (1 of 4 stars; one submission).

Conditions:
Cardiovascular phenotype. Identifiers: MedGen CN230736.

Allele frequency attached by ClinVar (database versions not stated): ExAC 0.00009.
gnomAD v4.1: 19 of 1,614,006 alleles (0.0012%); highest among the groups gnomAD compares: East Asian, 0.0067%; no homozygotes.

Submission:

Ambry Genetics
Classification: Uncertain significance for Cardiovascular phenotype. Last evaluated: 2024-09-14. Review status: criteria provided, single submitter. Criteria: Ambry Variant Classification Scheme 2023. Collection method: clinical testing. Allele origin: germline.
Comment: The p.D410N variant (also known as c.1228G>A), located in coding exon 9 of the ABCG8 gene, results from a G to A substitution at nucleotide position 1228. The aspartic acid at codon 410 is replaced by asparagine, an amino acid with highly similar properties. This amino acid position is conserved. In addition, this alteration is predicted to be tolerated by in silico analysis. Based on the available evidence, the clinical significance of this variant remains unclear.